The following is an entry in ClinVar:

NM_032043.3(BRIP1):c.320A>C (p.His107Pro)

Gene: BRIP1 (BRCA1 interacting DNA helicase 1; minus strand). Cytogenetic location: 17q23.2.
Variant type: single nucleotide variant.
Coding change: c.320A>C on transcript NM_032043.3 (MANE Select); coding-DNA position 320, A replaced by C.
Protein change: p.His107Pro; replaces histidine 107 with proline.
Molecular consequence: missense variant.
Genome position (GRCh38, 1-based): chr17:61,857,117, T>G on the plus strand (A>C on the coding strand, the complement: BRIP1 is on the minus strand). VCF-style: chr17-61857117-T-G. GRCh37 (hg19) VCF-style: chr17-59934478-T-G.
Other names: short protein forms H107P.
Identifiers: ClinVar variation 232507 (VCV000232507.17), dbSNP rs876659809, ClinGen allele CA10580886.
Genomic context (GRCh38, chr17:61,857,117, plus strand): 5'-CCTTGACAAGTTGATGAAGTGCCATTTCTTTCAGAAGGTGGTGTGCTTGGATAGTTGAAA[T>G]GACGTGAAGTTCCTTGGTTCATGTCATTGTTTGTAAAATCCTTTGAATGGCATGCACAAC-3'
Protein context (NP_114432.2, residues 97-117): NNDMNQGTSR[His107Pro]FNYPSTPPSE

ClinVar aggregate classification (germline): Uncertain significance. Review status: criteria provided, multiple submitters, no conflicts (2 of 4 stars). 2 submissions from 2 submitters: Uncertain significance (2). Last evaluated 2024-08-30.

Conditions:
Hereditary cancer-predisposing syndrome. Also called: Hereditary Cancer Syndrome; Neoplastic Syndromes, Hereditary; Tumor predisposition; Hereditary neoplastic syndrome. Identifiers: Orphanet 140162, MedGen C0027672, MeSH D009386, MONDO:0015356.
Fanconi anemia complementation group J. Also called: BRIP1-Related Fanconi Anemia. Identifiers: Orphanet 84, MedGen C1836860, MONDO:0012187, OMIM 609054.
Familial cancer of breast. Also called: Hereditary breast cancer; hereditary breast carcinoma; BREAST CANCER, FAMILIAL. Identifiers: Orphanet 227535, MedGen C0346153, MONDO:0016419, OMIM 114480. Disease mechanism: loss of function.

Submissions (2):

Ambry Genetics
Classification: Uncertain significance for Hereditary cancer-predisposing syndrome. Last evaluated: 2024-08-30. Review status: criteria provided, single submitter. Criteria: Ambry Variant Classification Scheme 2023. Collection method: clinical testing. Allele origin: germline.
Comment: The p.H107P variant (also known as c.320A>C), located in coding exon 3 of the BRIP1 gene, results from an A to C substitution at nucleotide position 320. The histidine at codon 107 is replaced by proline, an amino acid with similar properties. This amino acid position is well conserved in available vertebrate species. In addition, this alteration is predicted to be tolerated by in silico analysis. Based on the available evidence, the clinical significance of this variant remains unclear.

Labcorp Genetics (formerly Invitae), Labcorp
Classification: Uncertain significance for Familial cancer of breast; Fanconi anemia complementation group J. Last evaluated: 2021-02-04. Review status: criteria provided, single submitter. Criteria: Invitae Variant Classification Sherloc (09022015). Collection method: clinical testing. Allele origin: germline.
Comment: This variant has not been reported in the literature in individuals with BRIP1-related conditions. ClinVar contains an entry for this variant (Variation ID: 232507). This variant is not present in population databases (ExAC no frequency). This sequence change replaces histidine with proline at codon 107 of the BRIP1 protein (p.His107Pro). The histidine residue is weakly conserved and there is a moderate physicochemical difference between histidine and proline. Algorithms developed to predict the effect of missense changes on protein structure and function are either unavailable or do not agree on the potential impact of this missense change (SIFT: "Tolerated"; PolyPhen-2: "Possibly Damaging"; Align-GVGD: "Class C0"). In summary, the available evidence is currently insufficient to determine the role of this variant in disease. Therefore, it has been classified as a Variant of Uncertain Significance.